The following is an entry in ClinVar:

ClinVar aggregate classification (germline): Pathogenic/Likely pathogenic. Review status: criteria provided, multiple submitters, no conflicts (2 of 4 stars). 4 submissions from 4 submitters: Pathogenic (1); Likely pathogenic (2). 1 of the submissions does not count toward it. Last evaluated 2023-05-29.

Conditions:
Sialuria. Also called: Sialic Acid Storage Disease; SIALURIA, FRENCH TYPE. Identifiers: Orphanet 3166, MedGen C0342853, MONDO:0010028, OMIM 269921.
GNE myopathy (NM). Also called: INCLUSION BODY MYOPATHY 2, AUTOSOMAL RECESSIVE; INCLUSION BODY MYOPATHY, HEREDITARY, AUTOSOMAL RECESSIVE; Inclusion body myopathy autosomal recessive; Inclusion body myopathy quadriceps sparing; IBM 2; NONAKA DISTAL MYOPATHY. Identifiers: Orphanet 602, MedGen C1853926, MONDO:0011603, OMIM 605820.

Allele frequency attached by ClinVar (database versions not stated): gnomAD exomes below 0.00001.
gnomAD v4.1: 1 of 1,611,194 alleles (0.000062%); highest among the groups gnomAD compares: Non-Finnish European, 0.000085%; no homozygotes.

Submissions (4):

Labcorp Genetics (formerly Invitae), Labcorp
Classification: Pathogenic for Sialuria; GNE myopathy. Last evaluated: 2023-05-29. Review status: criteria provided, single submitter. Criteria: Invitae Variant Classification Sherloc (09022015). Collection method: clinical testing. Allele origin: germline.
Comment: For these reasons, this variant has been classified as Pathogenic. ClinVar contains an entry for this variant (Variation ID: 370972). This variant has not been reported in the literature in individuals affected with GNE-related conditions. This variant is present in population databases (no rsID available, gnomAD 0.0009%). This sequence change creates a premature translational stop signal (p.Gln250*) in the GNE gene. It is expected to result in an absent or disrupted protein product. Loss-of-function variants in GNE are known to be pathogenic (PMID: 24027297).

Revvity Omics, Revvity
Classification: Likely pathogenic. Last evaluated: 2022-06-08. Review status: criteria provided, single submitter. Criteria: ACMG Guidelines, 2015. Collection method: clinical testing. Allele origin: germline.

MGZ Medical Genetics Center
Classification: Likely pathogenic for GNE myopathy. Last evaluated: 2021-11-16. Review status: criteria provided, single submitter. Criteria: ACMG Guidelines, 2015. Collection method: clinical testing. Allele origin: germline. Affected: yes. Observed: 1 variant allele.
Comment: ACMG criteria applied: PVS1, PM2_SUP

Counsyl
Classification: Likely pathogenic for GNE myopathy. Last evaluated: 2016-05-25. Review status: no assertion criteria provided. Collection method: clinical testing. Allele origin: unknown. Not counted in ClinVar's aggregate classification.

Literature cited by the submitters: PubMed 24027297 (cited by Labcorp Genetics (formerly Invitae), Labcorp).

NM_005476.7(GNE):c.655C>T (p.Gln219Ter)

Gene: GNE (glucosamine (UDP-N-acetyl)-2-epimerase/N-acetylmannosamine kinase; minus strand). Cytogenetic location: 9p13.3.
Variant type: single nucleotide variant.
Coding change: c.655C>T on transcript NM_005476.7 (MANE Select); coding-DNA position 655, C replaced by T.
Protein change: p.Gln219Ter; replaces glutamine 219 with a stop codon.
Molecular consequence: nonsense. On other transcripts: intron variant (2).
Genome position (GRCh38, 1-based): chr9:36,236,946, G>A on the plus strand (C>T on the coding strand, the complement: GNE is on the minus strand). VCF-style: chr9-36236946-G-A. GRCh37 (hg19) VCF-style: chr9-36236943-G-A.
Other names: c.748C>T, p.Gln250Ter (NM_001128227.3); c.655C>T, p.Gln219Ter (NM_001190383.3); c.478C>T, p.Gln160Ter (NM_001190388.2, NM_001374798.1); c.440-2814C>T (NM_001190384.3); c.617-2814C>T (NM_001374797.1); short protein forms Q250*, Q219*, Q160*.
Identifiers: ClinVar variation 370972 (VCV000370972.11), dbSNP rs1057516906, ClinGen allele CA16041320.